The following is an entry in ClinVar:

NM_001386393.1(PANK2):c.215_216insA (p.Arg73fs)

Genes: PANK2 (pantothenate kinase 2; plus strand), LOC130065345 (ATAC-STARR-seq lymphoblastoid silent region 12635; plus strand). Cytogenetic location: 20p13.
Variant type: Insertion.
Coding change: c.215_216insA on transcript NM_001386393.1 (MANE Select); coding-DNA positions 215 to 216, A inserted.
Protein change: p.Arg73fs; shifts the reading frame from arginine 73.
Molecular consequence: frameshift variant. On other transcripts: 5 prime UTR variant (1), non-coding transcript variant (1), intron variant (1).
Genome position: GRCh38 VCF-style: chr20-3889645-C-CA. GRCh37 (hg19) VCF-style: chr20-3870292-C-CA.
Other names: c.-497_-496insA (NM_001324191.2); c.545_546insA, p.Arg183fs (NM_001324192.1, NM_153638.4); c.-246+741_-246+742insA (NM_024960.6); short protein forms R183fs, R73fs.
Identifiers: ClinVar variation 1878518 (VCV001878518.7), dbSNP rs1568550769, ClinGen allele CA634330981.

ClinVar aggregate classification (germline): Pathogenic. Review status: criteria provided, multiple submitters, no conflicts (2 of 4 stars). 5 submissions from 5 submitters: Pathogenic (5). Last evaluated 2024-08-27.

Conditions:
Pigmentary pallidal degeneration (NBIA1). Also called: HARP SYNDROME; PKAN NEUROAXONAL DYSTROPHY, JUVENILE-ONSET; Neurodegeneration with brain iron accumulation 1; Pantothenate Kinase-Associated Neurodegeneration; Neuroaxonal dystrophy, late infantile; Hallervorden-Spatz disease. Identifiers: Orphanet 157850, MedGen C0018523, MONDO:0009319, OMIM 234200.
Retinal dystrophy. Also called: Inherited retinal dystrophy. Identifiers: Orphanet 71862, MedGen C0854723, MeSH D058499, MONDO:0019118, HP:0000556.
PANK2-related disorder. Also called: PANK2-related condition.

Allele frequency attached by ClinVar (database versions not stated): gnomAD exomes below 0.00001.

Submissions (5):

Blueprint Genetics
Classification: Pathogenic for PANK2-related disorders. Last evaluated: 2024-08-27. Review status: criteria provided, single submitter. Criteria: ACMG Guidelines, 2015. Collection method: clinical testing. Allele origin: germline. Affected: yes. Observed: 2 variant alleles.

Fulgent Genetics
Classification: Pathogenic for Pigmentary pallidal degeneration. Last evaluated: 2024-06-22. Review status: criteria provided, single submitter. Criteria: ACMG Guidelines, 2015. Collection method: clinical testing. Allele origin: germline.

Revvity Omics, Revvity
Classification: Pathogenic. Last evaluated: 2023-06-02. Review status: criteria provided, single submitter. Criteria: ACMG Guidelines, 2015. Collection method: clinical testing. Allele origin: germline.

Institute of Human Genetics, Univ. Regensburg, Univ. Regensburg
Classification: Pathogenic for Retinal dystrophy. Last evaluated: 2023-01-01. Review status: criteria provided, single submitter. Criteria: ACMG Guidelines, 2015. Collection method: clinical testing. Allele origin: germline. Affected: yes.

Neuberg Centre For Genomic Medicine, NCGM
Classification: Pathogenic for Pigmentary pallidal degeneration. Review status: criteria provided, single submitter. Criteria: ACMG Guidelines, 2015. Collection method: clinical testing. Allele origin: germline. Affected: yes.
Comment: The frameshift insertion p.R183Efs*47 in PANK2 (NM_153638.4) has been reported previously in patients with NBIA from Aggarwal community (Bijarnia Mahay S et al). The p.R183Efs*47 variant is observed in 4/27,604 (0.0145%) alleles from individuals of South Asian background in gnomAD Exomes and is novel (not in any individuals) in 1000 Genomes. This variant is predicted to cause loss of normal protein function through protein truncation. The frame shifted sequence continues 47 residues until a stop codon is reached. The p.R183Efs*47 variant is a loss of function variant in the gene PANK2, which is intolerant of Loss of Function variants, as indicated by the presence of existing pathogenic loss of function variant NP_705902.2:p.E104* and 20 others. There are 17 downstream pathogenic loss of function variants, with the furthest variant being 378 residues downstream of the variant p.R183Efs*47. For these reasons, this variant has been classified as Pathogenic.

Literature cited by the submitters: PubMed 12510040 (cited by Institute of Human Genetics, Univ. Regensburg, Univ. Regensburg).